The following is an entry in ClinVar:

ClinVar aggregate classification (germline): Pathogenic (1 of 4 stars; one submission).

Conditions:
Chuvash polycythemia. Also called: POLYCYTHEMIA, VHL-DEPENDENT. Identifiers: Orphanet 238557, MedGen C1837915, MONDO:0009892, OMIM 263400.
Von Hippel-Lindau syndrome (VHLS). Also called: von Hippel–Lindau syndrome; VHL syndrome; Von Hippel-Lindau. Identifiers: Orphanet 892, MedGen C0019562, MONDO:0008667, OMIM 193300. Disease mechanism: loss of function.

Submission:

Labcorp Genetics (formerly Invitae), Labcorp
Classification: Pathogenic for Von Hippel-Lindau syndrome; Chuvash polycythemia. Last evaluated: 2025-11-11. Review status: criteria provided, single submitter. Criteria: Invitae Variant Classification Sherloc (09022015). Collection method: clinical testing. Allele origin: germline.
Comment: This sequence change replaces tyrosine, which is neutral and polar, with serine, which is neutral and polar, at codon 156 of the VHL protein (p.Tyr156Ser). This variant is not present in population databases (gnomAD no frequency). This missense change has been observed in individuals with clinical features of autosomal dominant VHL-related conditions (PMID: 30877234; internal data). Invitae Evidence Modeling of protein sequence and biophysical properties (such as structural, functional, and spatial information, amino acid conservation, physicochemical variation, residue mobility, and thermodynamic stability) indicates that this missense variant is expected to disrupt VHL protein function with a positive predictive value of 95%. This variant disrupts the p.Tyr156 amino acid residue in VHL. Other variant(s) that disrupt this residue have been determined to be pathogenic (PMID: 12000816, 16314641, 19029228, 19336503, 20151405). This suggests that this residue is clinically significant, and that variants that disrupt this residue are likely to be disease-causing. For these reasons, this variant has been classified as Pathogenic.

Literature cited by the submitters: PubMed 30877234; PubMed 12000816; PubMed 16314641; PubMed 19029228; PubMed 19336503; PubMed 20151405.

NM_000551.4(VHL):c.467A>C (p.Tyr156Ser)

Genes: VHL (von Hippel-Lindau tumor suppressor; plus strand), LOC107303340 (3p25 von Hippel-Lindau tumor suppressor, E3 ubiquitin protein ligase Alu-mediated recombination region; plus strand). Cytogenetic location: 3p25.3.
Variant type: single nucleotide variant.
Coding change: c.467A>C on transcript NM_000551.4 (MANE Select); coding-DNA position 467, A replaced by C.
Protein change: p.Tyr156Ser; replaces tyrosine 156 with serine.
Molecular consequence: missense variant. On other transcripts: 3 prime UTR variant (1), non-coding transcript variant (1).
Genome position (GRCh38, 1-based): chr3:10,149,790, A>C. VCF-style: chr3-10149790-A-C. GRCh37 (hg19) VCF-style: chr3-10191474-A-C.
Other names: c.*21A>C (NM_001354723.2); c.344A>C, p.Tyr115Ser (NM_198156.3); short protein forms Y115S, Y156S.
Identifiers: ClinVar variation 4788960 (VCV004788960.1).
Genomic context (GRCh38, chr3:10,149,790, plus strand): 5'-CGTTCCTTGTACTGAGACCCTAGTCTGCCACTGAGGATTTGGTTTTTGCCCTTCCAGTGT[A>C]TACTCTGAAAGAGCGATGCCTCCAGGTTGTCCGGAGCCTAGTCAAGCCTGAGAATTACAG-3'
Protein context (NP_000542.1, residues 146-166): PIFANITLPV[Tyr156Ser]TLKERCLQVV